The following is an entry in ClinVar:

NM_001330260.2(SCN8A):c.5636C>T (p.Ser1879Phe)

Gene: SCN8A (sodium voltage-gated channel alpha subunit 8; plus strand). Cytogenetic location: 12q13.13.
Variant type: single nucleotide variant.
Coding change: c.5636C>T on transcript NM_001330260.2 (MANE Select); coding-DNA position 5636, C replaced by T.
Protein change: p.Ser1879Phe; replaces serine 1879 with phenylalanine.
Molecular consequence: missense variant.
Genome position (GRCh38, 1-based): chr12:51,807,122, C>T. VCF-style: chr12-51807122-C-T. GRCh37 (hg19) VCF-style: chr12-52200906-C-T.
Other names: c.5513C>T, p.Ser1838Phe (NM_001177984.3, NM_001369788.1); c.5636C>T, p.Ser1879Phe (NM_014191.4); short protein forms S1838F, S1879F.
Identifiers: ClinVar variation 2430619 (VCV002430619.1), dbSNP rs2540335831, ClinGen allele CA384888247.

ClinVar aggregate classification (germline): Likely pathogenic (1 of 4 stars; one submission).

Submission:

GeneDx
Classification: Likely pathogenic. Last evaluated: 2023-02-16. Review status: criteria provided, single submitter. Criteria: GeneDx Variant Classification Process June 2021. Collection method: clinical testing. Allele origin: germline. Affected: yes.
Comment: Not observed at significant frequency in large population cohorts (gnomAD); Missense variants in this gene are often considered pathogenic (HGMD); In silico analysis supports that this missense variant has a deleterious effect on protein structure/function; Has not been previously published as pathogenic or benign to our knowledge; This substitution is predicted to be within the C-terminal cytoplasmic domain.